The following is an entry in ClinVar:

NM_001267550.2(TTN):c.585T>C (p.Gly195=)

Gene: TTN (titin; minus strand). Cytogenetic location: 2q31.2.
Variant type: single nucleotide variant.
Coding change: c.585T>C on transcript NM_001267550.2 (MANE Select); coding-DNA position 585, T replaced by C.
Protein change: p.Gly195=; no amino-acid change (glycine 195 retained).
Molecular consequence: synonymous variant.
Genome position (GRCh38, 1-based): chr2:178,799,909, A>G on the plus strand (T>C on the coding strand, the complement: TTN is on the minus strand). VCF-style: chr2-178799909-A-G. GRCh37 (hg19) VCF-style: chr2-179664636-A-G.
Other names: c.585T>C, p.Gly195= (NM_001256850.1, NM_003319.4, NM_133378.4 and 3 more transcripts).
Identifiers: ClinVar variation 4682077 (VCV004682077.5).
Genomic context (GRCh38, chr2:178,799,909, plus strand): 5'-TTCTGAGATCTGAGCAGTCGAAACAATTGTCTTTGTCTTTTTAGCAGGTACTTCTTCTTC[A>G]CCTGTGGGAAGGGAAAGATGAATGTTTGGGAGGGGGCACAATGACCCATTTTAAAAGAGA-3'
Protein context (NP_001254479.2, residues 185-205): ATSTAELLVQ[Gly195=]EEEVPAKKTK

ClinVar aggregate classification (germline): Likely benign (1 of 4 stars; one submission).

Submission:

CeGaT Center for Human Genetics Tuebingen
Classification: Likely benign. Last evaluated: 2025-12-01. Review status: criteria provided, single submitter. Criteria: CeGaT Center For Human Genetics Tuebingen Variant Classification Criteria Version 2. Collection method: clinical testing. Allele origin: germline. Affected: yes. Observed: 1 variant allele.
Comment: TTN: PM2:Supporting, BP4, BP7